The following is an entry in ClinVar:

NM_020232.5(PSMG2):c.327G>A (p.Trp109Ter)

Gene: PSMG2 (proteasome assembly chaperone 2; plus strand). Cytogenetic location: 18p11.21.
Variant type: single nucleotide variant.
Coding change: c.327G>A on transcript NM_020232.5 (MANE Select); coding-DNA position 327, G replaced by A.
Protein change: p.Trp109Ter; replaces tryptophan 109 with a stop codon.
Molecular consequence: nonsense.
Genome position (GRCh38, 1-based): chr18:12,718,555, G>A. VCF-style: chr18-12718555-G-A. GRCh37 (hg19) VCF-style: chr18-12718554-G-A.
Other names: c.234G>A, p.Trp78Ter (NM_147163.2); short protein forms W109*, W78*.
Identifiers: ClinVar variation 1516087 (VCV001516087.6), dbSNP rs2145148306, ClinGen allele CA401967475.
Genomic context (GRCh38, chr18:12,718,555, plus strand): 5'-ATTCTCTCAATGGTGTGCAAAGTATAAATCAAAGCCATTCTGTGAAAAACTGCTTTCCTG[G>A]GTGAAAAGCAGTGGCTGTGCCAGAGTCATTGTTCTTTCAAGCAGTCATTCATATCAGCGT-3'

ClinVar aggregate classification (germline): Uncertain significance (1 of 4 stars; one submission).

Allele frequency attached by ClinVar (database versions not stated): gnomAD exomes below 0.00001.
gnomAD v4.1: 4 of 1,611,534 alleles (0.00025%); highest among the groups gnomAD compares: South Asian, 0.0011%; no homozygotes.

Submission:

Labcorp Genetics (formerly Invitae), Labcorp
Classification: Uncertain significance. Last evaluated: 2021-08-29. Review status: criteria provided, single submitter. Criteria: Invitae Variant Classification Sherloc (09022015). Collection method: clinical testing. Allele origin: germline.
Comment: This sequence change creates a premature translational stop signal (p.Trp109*) in the PSMG2 gene. It is expected to result in an absent or disrupted protein product. However, the current clinical and genetic evidence is not sufficient to establish whether loss-of-function variants in PSMG2 cause disease. This variant is not present in population databases (ExAC no frequency). This variant has not been reported in the literature in individuals affected with PSMG2-related conditions. In summary, the available evidence is currently insufficient to determine the role of this variant in disease. Therefore, it has been classified as a Variant of Uncertain Significance.